The following is an entry in ClinVar:

NM_198578.4(LRRK2):c.4696G>A (p.Glu1566Lys)

Gene: LRRK2 (leucine rich repeat kinase 2; plus strand). Cytogenetic location: 12q12.
Variant type: single nucleotide variant.
Coding change: c.4696G>A on transcript NM_198578.4 (MANE Select); coding-DNA position 4696, G replaced by A.
Protein change: p.Glu1566Lys; replaces glutamic acid 1566 with lysine.
Molecular consequence: missense variant.
Genome position (GRCh38, 1-based): chr12:40,314,131, G>A. VCF-style: chr12-40314131-G-A. GRCh37 (hg19) VCF-style: chr12-40707933-G-A.
Other names: short protein forms E1566K.
Identifiers: ClinVar variation 1742500 (VCV001742500.5), dbSNP rs2499846986, ClinGen allele CA384419072.
Genomic context (GRCh38, chr12:40,314,131, plus strand): 5'-CCCGTAATTGACCGGAAACGATTATTACAACTAGTGAGAGAAAATCAGCTGCAGTTAGAT[G>A]AAAATGAGCTTCCTCACGCAGTTCACTTTCTAAATGAATCAGGTTTGTGTTTTTCGTTCC-3'
Protein context (NP_940980.4, residues 1556-1576): LVRENQLQLD[Glu1566Lys]NELPHAVHFL

ClinVar aggregate classification (germline): Uncertain significance. Review status: criteria provided, multiple submitters, no conflicts (2 of 4 stars). 2 submissions from 2 submitters: Uncertain significance (2). Last evaluated 2023-06-24.

Conditions:
Autosomal dominant Parkinson disease 8. Also called: Parkinson disease 8, susceptibility to; LRRK2-Related Parkinson Disease; Parkinson disease 8. Identifiers: Orphanet 411602, MedGen C1846862, MONDO:0011764, OMIM 607060.
Inborn genetic diseases. Identifiers: MedGen C0950123, MeSH D030342.

Allele frequency attached by ClinVar (database versions not stated): gnomAD exomes below 0.00001.
gnomAD v4.1: 1 of 1,612,664 alleles (0.000062%); highest among the groups gnomAD compares: Non-Finnish European, 0.000085%; no homozygotes.

Submissions (2):

Labcorp Genetics (formerly Invitae), Labcorp
Classification: Uncertain significance for Autosomal dominant Parkinson disease 8. Last evaluated: 2023-06-24. Review status: criteria provided, single submitter. Criteria: Invitae Variant Classification Sherloc (09022015). Collection method: clinical testing. Allele origin: germline.
Comment: In summary, the available evidence is currently insufficient to determine the role of this variant in disease. Therefore, it has been classified as a Variant of Uncertain Significance. Advanced modeling of protein sequence and biophysical properties (such as structural, functional, and spatial information, amino acid conservation, physicochemical variation, residue mobility, and thermodynamic stability) has been performed at Invitae for this missense variant, however the output from this modeling did not meet the statistical confidence thresholds required to predict the impact of this variant on LRRK2 protein function. ClinVar contains an entry for this variant (Variation ID: 1742500). This variant has not been reported in the literature in individuals affected with LRRK2-related conditions. This variant is not present in population databases (gnomAD no frequency). This sequence change replaces glutamic acid, which is acidic and polar, with lysine, which is basic and polar, at codon 1566 of the LRRK2 protein (p.Glu1566Lys).

Ambry Genetics
Classification: Uncertain significance for Inborn genetic diseases. Last evaluated: 2022-04-20. Review status: criteria provided, single submitter. Criteria: Ambry Variant Classification Scheme 2023. Collection method: clinical testing. Allele origin: germline.
Comment: The p.E1566K variant (also known as c.4696G>A), located in coding exon 32 of the LRRK2 gene, results from a G to A substitution at nucleotide position 4696. The glutamic acid at codon 1566 is replaced by lysine, an amino acid with similar properties. This amino acid position is conserved. In addition, the in silico prediction for this alteration is inconclusive. Since supporting evidence is limited at this time, the clinical significance of this alteration remains unclear.